The following is an entry in ClinVar:

NM_000380.4(XPA):c.553C>T (p.Gln185Ter)

Gene: XPA (XPA, DNA damage recognition and repair factor; minus strand). Cytogenetic location: 9q22.33.
Variant type: single nucleotide variant.
Coding change: c.553C>T on transcript NM_000380.4 (MANE Select); coding-DNA position 553, C replaced by T.
Protein change: p.Gln185Ter; replaces glutamine 185 with a stop codon.
Molecular consequence: nonsense. On other transcripts: non-coding transcript variant (4).
Genome position (GRCh38, 1-based): chr9:97,687,098, G>A on the plus strand (C>T on the coding strand, the complement: XPA is on the minus strand). VCF-style: chr9-97687098-G-A. GRCh37 (hg19) VCF-style: chr9-100449380-G-A.
Other names: c.427C>T, p.Gln143Ter (NM_001354975.2); short protein forms Q185*, Q143*.
Identifiers: ClinVar variation 267185 (VCV000267185.13), dbSNP rs1828741490, ClinGen allele CA374187268.

ClinVar aggregate classification (germline): Pathogenic. Review status: criteria provided, multiple submitters, no conflicts (2 of 4 stars). 4 submissions from 4 submitters: Pathogenic (4). Last evaluated 2026-04-24.

Conditions:
Xeroderma pigmentosum group A (XPA). Also called: XPA-Related Xeroderma Pigmentosum; Xeroderma pigmentosum, complementation group A; XP, group A. Identifiers: Orphanet 910, MedGen C0268135, MONDO:0010210, OMIM 278700.

Allele frequency attached by ClinVar (database versions not stated): gnomAD exomes below 0.00001.
gnomAD v4.1: 6 of 1,608,954 alleles (0.00037%); highest among the groups gnomAD compares: Non-Finnish European, 0.00051%; no homozygotes.

Submissions (4):

Myriad Genetics, Inc.
Classification: Pathogenic for Xeroderma pigmentosum group A. Last evaluated: 2026-04-24. Review status: criteria provided, single submitter. Criteria: Myriad Autosomal Dominant, Autosomal Recessive and X-Linked Classification Criteria (2023). Collection method: clinical testing. Allele origin: unknown.
Comment: NM_000380.3(XPA):c.553C>T(Q185*) is a nonsense variant classified as pathogenic in the context of xeroderma pigmentosum group A. Q185* has been observed in cases with relevant disease (PMID: 24135642). Relevant functional assessments of this variant are not available in the literature. Q185* has not been observed in referenced population frequency databases. In summary, NM_000380.3(XPA):c.553C>T(Q185*) is a nonsense variant in a gene where loss of function is a known mechanism of disease, is predicted to disrupt protein function, and has been observed more frequently in cases with the relevant disease than in healthy populations. Please note: this variant was assessed in the context of healthy population screening.

Fulgent Genetics
Classification: Pathogenic for Xeroderma pigmentosum group A. Last evaluated: 2024-02-13. Review status: criteria provided, single submitter. Criteria: ACMG Guidelines, 2015. Collection method: clinical testing. Allele origin: germline.

Labcorp Genetics (formerly Invitae), Labcorp
Classification: Pathogenic. Last evaluated: 2017-08-17. Review status: criteria provided, single submitter. Criteria: Invitae Variant Classification Sherloc (09022015). Collection method: clinical testing. Allele origin: germline.
Comment: For these reasons, this variant has been classified as Pathogenic. Loss-of-function variants in XPA are known to be pathogenic (PMID: 27607234). This variant has been reported in 2 individuals affected with Xeroderma pigmentosa (PMID: 24135642). This variant is not present in population databases (ExAC no frequency). This sequence change creates a premature translational stop signal (p.Gln185*) in the XPA gene. It is expected to result in an absent or disrupted protein product.

Medical Molecular Genetics Department, National Research Center
Classification: Pathogenic for Xeroderma pigmentosum group A. Last evaluated: 2015-12-01. Review status: criteria provided, single submitter. Criteria: ACMG Guidelines, 2015. Collection method: research. Allele origin: germline. Inheritance: Autosomal recessive inheritance. Affected: yes. Observed: 2 variant alleles, 2 homozygotes.

Literature cited by the submitters: PubMed 24135642 (cited by 3 submitters); PubMed 27607234 (cited by Labcorp Genetics (formerly Invitae), Labcorp).